The following is an entry in ClinVar:

NM_024426.6(WT1):c.613C>T (p.Pro205Ser)

Genes: WT1 (WT1 transcription factor; minus strand), LOC107982234 (WT1/WT1-AS bi-directional promoter region; plus strand). Cytogenetic location: 11p13.
Variant type: single nucleotide variant.
Coding change: c.613C>T on transcript NM_024426.6 (MANE Select); coding-DNA position 613, C replaced by T.
Protein change: p.Pro205Ser; replaces proline 205 with serine.
Molecular consequence: missense variant. On other transcripts: non-coding transcript variant (2).
Genome position (GRCh38, 1-based): chr11:32,434,748, G>A on the plus strand (C>T on the coding strand, the complement: WT1 is on the minus strand). VCF-style: chr11-32434748-G-A. GRCh37 (hg19) VCF-style: chr11-32456294-G-A.
Other names: c.613C>T, p.Pro205Ser (NM_000378.6, NM_001407044.1, NM_001407045.1 and 6 more transcripts); c.394C>T, p.Pro132Ser (NM_001429031.1, NM_001429032.1, NM_001429033.1 and 1 more transcripts); short protein forms P132S, P200S, P205S.
Identifiers: ClinVar variation 3817465 (VCV003817465.1).
Genomic context (GRCh38, chr11:32,434,748, plus strand): 5'-CGGCCTACTTACCCTGATTGCGAATAGCGGGCTGGCTCTCGAGGCAGCTGGGCAGGTAGG[G>A]CGCGTTAGGAAACATCCTGGCCTGGCCGGATGACGCCTGGCTGGGCGGAGGAGGACCGAA-3'
Protein context (NP_077744.4, residues 195-215): SGQARMFPNA[Pro205Ser]YLPSCLESQP

ClinVar aggregate classification (germline): Uncertain significance (1 of 4 stars; one submission).

Conditions:
Inborn genetic diseases. Identifiers: MedGen C0950123, MeSH D030342.

Submission:

Ambry Genetics
Classification: Uncertain significance for Inborn genetic diseases. Last evaluated: 2025-01-17. Review status: criteria provided, single submitter. Criteria: Ambry Variant Classification Scheme 2023. Collection method: clinical testing. Allele origin: germline.
Comment: The p.P200S variant (also known as c.598C>T), located in coding exon 1 of the WT1 gene, results from a C to T substitution at nucleotide position 598. The proline at codon 200 is replaced by serine, an amino acid with similar properties. This amino acid position is conserved. In addition, the in silico prediction for this alteration is inconclusive. Based on the available evidence, the clinical significance of this variant remains unclear.